The following is an entry in ClinVar:

NM_001282359.2(ZNF107):c.2316A>G (p.Gln772=)

Gene: ZNF107 (zinc finger protein 107; plus strand). Cytogenetic location: 7q11.21.
Variant type: single nucleotide variant.
Coding change: c.2316A>G on transcript NM_001282359.2 (MANE Select); coding-DNA position 2316, A replaced by G.
Protein change: p.Gln772=; no amino-acid change (glutamine 772 retained).
Molecular consequence: synonymous variant.
Genome position (GRCh38, 1-based): chr7:64,708,413, A>G. VCF-style: chr7-64708413-A-G. GRCh37 (hg19) VCF-style: chr7-64168791-A-G.
Other names: c.2109A>G, p.Gln703= (NM_001013746.3, NM_016220.5); c.2220A>G, p.Gln740= (NM_001282360.2); c.2448A>G, p.Gln816= (NM_001388025.1); c.2331A>G, p.Gln777= (NM_001388026.1).
Identifiers: ClinVar variation 2657523 (VCV002657523.24), dbSNP rs535640431, ClinGen allele CA159133998.

ClinVar aggregate classification (germline): Likely benign (1 of 4 stars; one submission).

Allele frequency attached by ClinVar (database versions not stated): gnomAD exomes below 0.00001; gnomAD 0.00001; 1000 Genomes Project 0.00060.
gnomAD v4.1: 4 of 1,603,702 alleles (0.00025%); highest among the groups gnomAD compares: East Asian, 0.0045%; no homozygotes.

Submission:

CeGaT Center for Human Genetics Tuebingen
Classification: Likely benign. Last evaluated: 2024-11-01. Review status: criteria provided, single submitter. Criteria: CeGaT Center For Human Genetics Tuebingen Variant Classification Criteria Version 2. Collection method: clinical testing. Allele origin: germline. Affected: yes. Observed: 2 variant alleles.
Comment: ZNF107: BP4, BP7